The following is an entry in ClinVar:

NM_001164508.2(NEB):c.19534A>G (p.Ile6512Val)

Genes: NEB (nebulin; minus strand), LOC126806373 (BRD4-independent group 4 enhancer GRCh37_chr2:152410007-152411206; plus strand). Cytogenetic location: 2q23.3.
Variant type: single nucleotide variant.
Coding change: c.19534A>G on transcript NM_001164508.2 (MANE Select); coding-DNA position 19534, A replaced by G.
Protein change: p.Ile6512Val; replaces isoleucine 6512 with valine.
Molecular consequence: missense variant.
Genome position (GRCh38, 1-based): chr2:151,553,920, T>C on the plus strand (A>G on the coding strand, the complement: NEB is on the minus strand). VCF-style: chr2-151553920-T-C. GRCh37 (hg19) VCF-style: chr2-152410434-T-C.
Other names: c.19534A>G, p.Ile6512Val (NM_001164507.2, NM_001271208.2); c.14431A>G, p.Ile4811Val (NM_004543.5); short protein forms I4811V, I6512V.
Identifiers: ClinVar variation 1353219 (VCV001353219.5), dbSNP rs2095480638, ClinGen allele CA348791268.

ClinVar aggregate classification (germline): Uncertain significance (1 of 4 stars; one submission).

Conditions:
Nemaline myopathy 2 (NEM2). Also called: Nemaline myopathy 2, autosomal recessive. Identifiers: MedGen C1850569, MONDO:0009725, OMIM 256030.

Allele frequency attached by ClinVar (database versions not stated): gnomAD exomes 0.00001.
gnomAD v4.1: 8 of 1,613,916 alleles (0.0005%); highest among the groups gnomAD compares: Non-Finnish European, 0.00068%; no homozygotes.

Submission:

Labcorp Genetics (formerly Invitae), Labcorp
Classification: Uncertain significance for Nemaline myopathy 2. Last evaluated: 2022-03-09. Review status: criteria provided, single submitter. Criteria: Invitae Variant Classification Sherloc (09022015). Collection method: clinical testing. Allele origin: germline.
Comment: This sequence change replaces isoleucine, which is neutral and non-polar, with valine, which is neutral and non-polar, at codon 6512 of the NEB protein (p.Ile6512Val). This variant is not present in population databases (gnomAD no frequency). This variant has not been reported in the literature in individuals affected with NEB-related conditions. Algorithms developed to predict the effect of missense changes on protein structure and function output the following: SIFT: "Deleterious"; PolyPhen-2: "Not Available"; Align-GVGD: "Class C0". The valine amino acid residue is found in multiple mammalian species, which suggests that this missense change does not adversely affect protein function. Algorithms developed to predict the effect of sequence changes on RNA splicing suggest that this variant may create or strengthen a splice site. In summary, the available evidence is currently insufficient to determine the role of this variant in disease. Therefore, it has been classified as a Variant of Uncertain Significance.